The following is an entry in ClinVar:

ClinVar aggregate classification (germline): Uncertain significance. Review status: criteria provided, multiple submitters, no conflicts (2 of 4 stars). 3 submissions from 3 submitters: Uncertain significance (3). Last evaluated 2025-12-16.

Conditions:
Inborn genetic diseases. Identifiers: MedGen C0950123, MeSH D030342.
ALG11-congenital disorder of glycosylation. Also called: CONGENITAL DISORDER OF GLYCOSYLATION, TYPE Ip; ALG11-CDG. Identifiers: Orphanet 280071, MedGen C3150913, MONDO:0013349, OMIM 613661.

Allele frequency attached by ClinVar (database versions not stated): gnomAD exomes below 0.00001; gnomAD 0.00001; TOPMed 0.00002.
gnomAD v4.1: 4 of 1,614,114 alleles (0.00025%); highest among the groups gnomAD compares: Non-Finnish European, 0.00025%; no homozygotes.

Submissions (3):

Ambry Genetics
Classification: Uncertain significance for Inborn genetic diseases. Last evaluated: 2025-12-16. Review status: criteria provided, single submitter. Criteria: Ambry Variant Classification Scheme 2023. Collection method: clinical testing. Allele origin: germline.

GeneDx
Classification: Uncertain significance. Last evaluated: 2023-04-06. Review status: criteria provided, single submitter. Criteria: GeneDx Variant Classification Process June 2021. Collection method: clinical testing. Allele origin: germline. Affected: yes.
Comment: Not observed at significant frequency in large population cohorts (gnomAD); In silico analysis supports that this missense variant has a deleterious effect on protein structure/function; Has not been previously published as pathogenic or benign to our knowledge

Labcorp Genetics (formerly Invitae), Labcorp
Classification: Uncertain significance for ALG11-congenital disorder of glycosylation. Last evaluated: 2023-03-24. Review status: criteria provided, single submitter. Criteria: Invitae Variant Classification Sherloc (09022015). Collection method: clinical testing. Allele origin: germline.
Comment: This sequence change replaces tryptophan, which is neutral and slightly polar, with arginine, which is basic and polar, at codon 260 of the ALG11 protein (p.Trp260Arg). This variant is present in population databases (no rsID available, gnomAD 0.0009%). This variant has not been reported in the literature in individuals affected with ALG11-related conditions. Advanced modeling of protein sequence and biophysical properties (such as structural, functional, and spatial information, amino acid conservation, physicochemical variation, residue mobility, and thermodynamic stability) performed at Invitae indicates that this missense variant is expected to disrupt ALG11 protein function. In summary, the available evidence is currently insufficient to determine the role of this variant in disease. Therefore, it has been classified as a Variant of Uncertain Significance.

NM_001004127.3(ALG11):c.778T>C (p.Trp260Arg)

Gene: ALG11 (ALG11 alpha-1,2-mannosyltransferase; plus strand). Cytogenetic location: 13q14.3.
Variant type: single nucleotide variant.
Coding change: c.778T>C on transcript NM_001004127.3 (MANE Select); coding-DNA position 778, T replaced by C.
Protein change: p.Trp260Arg; replaces tryptophan 260 with arginine.
Molecular consequence: missense variant.
Genome position (GRCh38, 1-based): chr13:52,024,508, T>C. VCF-style: chr13-52024508-T-C. GRCh37 (hg19) VCF-style: chr13-52598644-T-C.
Other names: c.778T>C (NM_001004127.2); short protein forms W260R.
Identifiers: ClinVar variation 2662017 (VCV002662017.5), dbSNP rs1301367744, ClinGen allele CA388015616.